The following is an entry in ClinVar:

ClinVar aggregate classification (germline): Uncertain significance. Review status: criteria provided, multiple submitters, no conflicts (2 of 4 stars). 2 submissions from 2 submitters: Uncertain significance (2). Last evaluated 2024-04-19.

Allele frequency attached by ClinVar (database versions not stated): gnomAD exomes 0.00002 and 0.00004; ExAC 0.00003; TOPMed 0.00004; gnomAD 0.00005 and 0.00006; ESP Exome Variant Server 0.00015.
gnomAD v4.1: 43 of 1,613,644 alleles (0.0027%); highest among the groups gnomAD compares: Non-Finnish European, 0.00093%; no homozygotes.

Submissions (2):

Blueprint Genetics
Classification: Uncertain significance. Last evaluated: 2024-04-19. Review status: criteria provided, single submitter. Criteria: ACMG Guidelines, 2015. Collection method: clinical testing. Allele origin: germline.

Labcorp Genetics (formerly Invitae), Labcorp
Classification: Uncertain significance. Last evaluated: 2021-08-27. Review status: criteria provided, single submitter. Criteria: Invitae Variant Classification Sherloc (09022015). Collection method: clinical testing. Allele origin: germline.
Comment: This sequence change replaces serine with proline at codon 231 of the ARHGEF18 protein (p.Ser231Pro). The serine residue is moderately conserved and there is a moderate physicochemical difference between serine and proline. This variant is present in population databases (rs375853873, ExAC 0.006%). This variant has not been reported in the literature in individuals affected with ARHGEF18-related conditions. Algorithms developed to predict the effect of missense changes on protein structure and function are either unavailable or do not agree on the potential impact of this missense change (SIFT: "Deleterious"; PolyPhen-2: "Benign"; Align-GVGD: "Class C0"). In summary, the available evidence is currently insufficient to determine the role of this variant in disease. Therefore, it has been classified as a Variant of Uncertain Significance.

NM_001367823.1(ARHGEF18):c.1255T>C (p.Ser419Pro)

Gene: ARHGEF18 (Rho/Rac guanine nucleotide exchange factor 18; plus strand). Cytogenetic location: 19p13.2.
Variant type: single nucleotide variant.
Coding change: c.1255T>C on transcript NM_001367823.1 (MANE Select); coding-DNA position 1255, T replaced by C.
Protein change: p.Ser419Pro; replaces serine 419 with proline.
Molecular consequence: missense variant.
Genome position (GRCh38, 1-based): chr19:7,441,947, T>C. VCF-style: chr19-7441947-T-C. GRCh37 (hg19) VCF-style: chr19-7506833-T-C.
Other names: c.529T>C, p.Ser177Pro (NM_001130955.2); c.217T>C, p.Ser73Pro (NM_001367824.1, NM_015318.4); short protein forms S177P, S419P, S73P.
Identifiers: ClinVar variation 1015375 (VCV001015375.7), dbSNP rs375853873, ClinGen allele CA9136419.